The following is an entry in ClinVar:

ClinVar aggregate classification (germline): Uncertain significance (1 of 4 stars; one submission).

Submission:

Labcorp Genetics (formerly Invitae), Labcorp
Classification: Uncertain significance. Last evaluated: 2022-06-05. Review status: criteria provided, single submitter. Criteria: Invitae Variant Classification Sherloc (09022015). Collection method: clinical testing. Allele origin: germline.
Comment: In summary, the available evidence is currently insufficient to determine the role of this variant in disease. Therefore, it has been classified as a Variant of Uncertain Significance. Algorithms developed to predict the effect of missense changes on protein structure and function (SIFT, PolyPhen-2, Align-GVGD) all suggest that this variant is likely to be tolerated. This variant has not been reported in the literature in individuals affected with KARS-related conditions. This variant is not present in population databases (gnomAD no frequency). This sequence change replaces threonine, which is neutral and polar, with isoleucine, which is neutral and non-polar, at codon 153 of the KARS protein (p.Thr153Ile).

NM_005548.3(KARS1):c.374C>T (p.Thr125Ile)

Gene: KARS1 (lysyl-tRNA synthetase 1; minus strand). Cytogenetic location: 16q23.1.
Variant type: single nucleotide variant.
Coding change: c.374C>T on transcript NM_005548.3 (MANE Select); coding-DNA position 374, C replaced by T.
Protein change: p.Thr125Ile; replaces threonine 125 with isoleucine.
Molecular consequence: missense variant. On other transcripts: 5 prime UTR variant (1).
Genome position (GRCh38, 1-based): chr16:75,640,198, G>A on the plus strand (C>T on the coding strand, the complement: KARS1 is on the minus strand). VCF-style: chr16-75640198-G-A. GRCh37 (hg19) VCF-style: chr16-75674096-G-A.
Other names: c.458C>T, p.Thr153Ile (NM_001130089.2); c.-95C>T (NM_001378148.1); short protein forms T125I, T153I.
Identifiers: ClinVar variation 1682446 (VCV001682446.6), dbSNP rs2151809313, ClinGen allele CA396815492.
Genomic context (GRCh38, chr16:75,640,198, plus strand): 5'-CCTACCTGCTGTGGGAGTTCAGTGATTTGCCAGGGAGAGTTCCTACCTGCCACCTTTAAG[G>A]TGATGTCAGTCAGGTGATCCCCAGGCTGCAGGTGACTATATTTTTGGATGAAGTCAGTGA-3'
Protein context (NP_005539.1, residues 115-135): LQPGDHLTDI[Thr125Ile]LKVAGRIHAK